The following is an entry in ClinVar:

NM_001734.5(C1S):c.1167A>G (p.Pro389=)

Gene: C1S (complement C1s; plus strand). Cytogenetic location: 12p13.31.
Variant type: single nucleotide variant.
Coding change: c.1167A>G on transcript NM_001734.5 (MANE Select); coding-DNA position 1167, A replaced by G.
Protein change: p.Pro389=; no amino-acid change (proline 389 retained).
Molecular consequence: synonymous variant.
Genome position (GRCh38, 1-based): chr12:7,067,743, A>G. VCF-style: chr12-7067743-A-G. GRCh37 (hg19) VCF-style: chr12-7175047-A-G.
Other names: p.Pro389=; c.666A>G, p.Pro222= (NM_001346850.2); c.1167A>G, p.Pro389= (NM_201442.4).
Identifiers: ClinVar variation 402440 (VCV000402440.18), dbSNP rs1143664, ClinGen allele CA6423692.

ClinVar aggregate classification (germline): Benign. Review status: criteria provided, multiple submitters, no conflicts (2 of 4 stars). 7 submissions from 7 submitters: Benign (7). Last evaluated 2026-02-04.

Allele frequency attached by ClinVar (database versions not stated): gnomAD exomes 0.07533 and 0.07940; ExAC 0.08274; 1000 Genomes Project 0.09605; gnomAD 0.09929 and 0.10163; 1000 Genomes Project 30x 0.10009; TOPMed 0.10398; ESP Exome Variant Server 0.10649.
gnomAD v4.1: 125,932 of 1,613,332 alleles (7.8%); highest among the groups gnomAD compares: African/African-American, 17%; 5,698 homozygotes.

Submissions (7):

Labcorp Genetics (formerly Invitae), Labcorp
Classification: Benign. Last evaluated: 2026-02-04. Review status: criteria provided, single submitter. Criteria: Invitae Variant Classification Sherloc (09022015). Collection method: clinical testing. Allele origin: germline.

Women's Health and Genetics/Laboratory Corporation of America, LabCorp
Classification: Benign. Last evaluated: 2026-01-21. Review status: criteria provided, single submitter. Criteria: LabCorp Variant Classification Summary - May 2015. Collection method: clinical testing. Allele origin: germline.

Blueprint Genetics
Classification: Benign. Last evaluated: 2024-11-27. Review status: criteria provided, single submitter. Criteria: ACMG Guidelines, 2015. Collection method: clinical testing. Allele origin: germline.

Mayo Clinic Laboratories, Mayo Clinic
Classification: Benign. Last evaluated: 2022-09-06. Review status: criteria provided, single submitter. Criteria: ACMG Guidelines, 2015. Collection method: clinical testing. Allele origin: germline. Observed: 62 variant alleles.

GeneDx
Classification: Benign. Last evaluated: 2021-05-04. Review status: criteria provided, single submitter. Criteria: GeneDx Variant Classification Process June 2021. Collection method: clinical testing. Allele origin: germline. Affected: yes.

Laboratory for Molecular Medicine, Mass General Brigham Personalized Medicine
Classification: Benign. Last evaluated: 2016-03-28. Review status: criteria provided, single submitter. Criteria: LMM Criteria. Collection method: clinical testing. Allele origin: germline.
Comment: Variant identified in a genome or exome case(s) and assessed due to predicted null impact of the variant or pathogenic assertions in the literature or databases. Disclaimer: This variant has not undergone full assessment. The following are preliminary notes: MAF

Breakthrough Genomics
Classification: Benign. Review status: criteria provided, single submitter. Criteria: ACMG Guidelines, 2015. Collection method: not provided. Allele origin: germline. Inheritance: Autosomal dominant inheritance. Affected: yes.